The following is an entry in ClinVar:

NM_000535.7(PMS2):c.2237T>G (p.Phe746Cys)

Gene: PMS2 (PMS1 homolog 2, mismatch repair system component; minus strand). Cytogenetic location: 7p22.1.
Variant type: single nucleotide variant.
Coding change: c.2237T>G on transcript NM_000535.7 (MANE Select); coding-DNA position 2237, T replaced by G.
Protein change: p.Phe746Cys; replaces phenylalanine 746 with cysteine.
Molecular consequence: missense variant. On other transcripts: non-coding transcript variant (1).
Genome position (GRCh38, 1-based): chr7:5,978,634, A>C on the plus strand (T>G on the coding strand, the complement: PMS2 is on the minus strand). VCF-style: chr7-5978634-A-C. GRCh37 (hg19) VCF-style: chr7-6018265-A-C.
Other names: c.1832T>G, p.Phe611Cys (NM_001018040.1, NM_001322003.2, NM_001322004.2 and 15 more transcripts); c.2081T>G, p.Phe694Cys (NM_001322006.2, NM_001406870.1); c.1919T>G, p.Phe640Cys (NM_001322007.2, NM_001322008.2, NM_001406876.1 and 1 more transcripts); c.1676T>G, p.Phe559Cys (NM_001322010.2, NM_001406906.1, NM_001406907.1); c.1304T>G, p.Phe435Cys (NM_001322011.2, NM_001322012.2); c.1664T>G, p.Phe555Cys (NM_001322013.2, NM_001406908.1, NM_001406909.1); c.2237T>G, p.Phe746Cys (NM_001322014.2); c.1928T>G, p.Phe643Cys (NM_001322015.2, NM_001406875.1, NM_001406877.1 and 5 more transcripts); and 14 more; short protein forms F345C, F591C, F638C, F643C, F694C, F754C, F588C, F611C.
Identifiers: ClinVar variation 1788212 (VCV001788212.2), dbSNP rs2535391279, ClinGen allele CA366736650.

ClinVar aggregate classification (germline): Uncertain significance (1 of 4 stars; one submission).

Conditions:
Hereditary cancer-predisposing syndrome. Also called: Neoplastic Syndromes, Hereditary; Tumor predisposition; Hereditary Cancer Syndrome; Hereditary neoplastic syndrome. Identifiers: Orphanet 140162, MedGen C0027672, MeSH D009386, MONDO:0015356.

Submission:

Ambry Genetics
Classification: Uncertain significance for Hereditary cancer-predisposing syndrome. Last evaluated: 2021-02-22. Review status: criteria provided, single submitter. Criteria: Ambry Variant Classification Scheme 2023. Collection method: clinical testing. Allele origin: germline.
Comment: The p.F746C variant (also known as c.2237T>G), located in coding exon 13 of the PMS2 gene, results from a T to G substitution at nucleotide position 2237. The phenylalanine at codon 746 is replaced by cysteine, an amino acid with highly dissimilar properties. This amino acid position is highly conserved in available vertebrate species. In addition, this alteration is predicted to be deleterious by in silico analysis. Since supporting evidence is limited at this time, the clinical significance of this alteration remains unclear.